The following is an entry in ClinVar:

ClinVar aggregate classification (germline): Uncertain significance (1 of 4 stars; one submission).

Submission:

Labcorp Genetics (formerly Invitae), Labcorp
Classification: Uncertain significance. Last evaluated: 2025-05-18. Review status: criteria provided, single submitter. Criteria: Invitae Variant Classification Sherloc (09022015). Collection method: clinical testing. Allele origin: germline.
Comment: This sequence change replaces arginine, which is basic and polar, with lysine, which is basic and polar, at codon 1789 of the CACNA1E protein (p.Arg1789Lys). This variant is not present in population databases (gnomAD no frequency). This variant has not been reported in the literature in individuals affected with CACNA1E-related conditions. An algorithm developed to predict the effect of missense changes on protein structure and function (PolyPhen-2) suggests that this variant is likely to be disruptive. Algorithms developed to predict the effect of sequence changes on RNA splicing suggest that this variant may create or strengthen a splice site. In summary, the available evidence is currently insufficient to determine the role of this variant in disease. Therefore, it has been classified as a Variant of Uncertain Significance.

NM_001205293.3(CACNA1E):c.5366G>A (p.Arg1789Lys)

Gene: CACNA1E (calcium voltage-gated channel subunit alpha1 E; plus strand). Cytogenetic location: 1q25.3.
Variant type: single nucleotide variant.
Coding change: c.5366G>A on transcript NM_001205293.3 (MANE Select); coding-DNA position 5366, G replaced by A.
Protein change: p.Arg1789Lys; replaces arginine 1789 with lysine.
Molecular consequence: missense variant.
Genome position (GRCh38, 1-based): chr1:181,783,680, G>A. VCF-style: chr1-181783680-G-A. GRCh37 (hg19) VCF-style: chr1-181752816-G-A.
Other names: c.5366G>A, p.Arg1789Lys (NM_000721.4); c.5309G>A, p.Arg1770Lys (NM_001205294.2); short protein forms R1789K, R1770K.
Identifiers: ClinVar variation 4719728 (VCV004719728.1).